The following is an entry in ClinVar:

ClinVar aggregate classification (germline): Uncertain significance (1 of 4 stars; one submission).

Submission:

Labcorp Genetics (formerly Invitae), Labcorp
Classification: Uncertain significance. Last evaluated: 2025-04-22. Review status: criteria provided, single submitter. Criteria: Invitae Variant Classification Sherloc (09022015). Collection method: clinical testing. Allele origin: germline.
Comment: This sequence change creates a premature translational stop signal (p.Tyr181Leufs*4) in the CFB gene. It is expected to result in an absent or disrupted protein product. However, the current clinical and genetic evidence is not sufficient to establish whether loss-of-function variants in CFB cause disease. This variant is not present in population databases (gnomAD no frequency). This variant has not been reported in the literature in individuals affected with CFB-related conditions. In summary, the available evidence is currently insufficient to determine the role of this variant in disease. Therefore, it has been classified as a Variant of Uncertain Significance.

NM_001710.6(CFB):c.541dup (p.Tyr181fs)

Gene: CFB (complement factor B; plus strand). Cytogenetic location: 6p21.33.
Variant type: Duplication.
Coding change: c.541dup on transcript NM_001710.6 (MANE Select); coding-DNA position 541, one base duplicated (T; older notation c.541dupT).
Protein change: p.Tyr181fs; shifts the reading frame from tyrosine 181.
Molecular consequence: frameshift variant.
Genome position (GRCh38, 1-based): chr6:31,947,404, T duplicated. VCF-style (leftmost placement, unchanged base first): chr6-31947403-G-GT. GRCh37 (hg19) VCF-style: chr6-31915180-G-GT.
Other names: short protein forms Y181fs.
Identifiers: ClinVar variation 4718113 (VCV004718113.1).